The following is an entry in ClinVar:

NM_004327.4(BCR):c.3132G>A (p.Pro1044=)

Gene: BCR (BCR activator of RhoGEF and GTPase; plus strand). Cytogenetic location: 22q11.23.
Variant type: single nucleotide variant.
Coding change: c.3132G>A on transcript NM_004327.4 (MANE Select); coding-DNA position 3132, G replaced by A.
Protein change: p.Pro1044=; no amino-acid change (proline 1044 retained).
Molecular consequence: synonymous variant.
Genome position (GRCh38, 1-based): chr22:23,310,383, G>A. VCF-style: chr22-23310383-G-A. GRCh37 (hg19) VCF-style: chr22-23652570-G-A.
Other names: c.3000G>A, p.Pro1000= (NM_021574.3).
Identifiers: ClinVar variation 2652964 (VCV002652964.24), dbSNP rs201305382, ClinGen allele CA10142870.
Genomic context (GRCh38, chr22:23,310,383, plus strand): 5'-GATCGAAGTAAAGCTCTCGGTCAAGTTCAACAGCAGGGAGTTCAGCTTGAAGAGGATGCC[G>A]TCCCGAAAACAGACAGGGGTCTTCGGAGTCAAGATTGCTGTGGTCACCAAGTGAGTGGGG-3'
Protein context (NP_004318.3, residues 1034-1054): NSREFSLKRM[Pro1044=]SRKQTGVFGV

ClinVar aggregate classification (germline): Likely benign (1 of 4 stars; one submission).

Allele frequency attached by ClinVar (database versions not stated): ESP Exome Variant Server 0.00019; gnomAD exomes 0.00026; ExAC 0.00043; 1000 Genomes Project 30x 0.00203; gnomAD 0.00205.
gnomAD v4.1: 673 of 1,447,964 alleles (0.046%); highest among the groups gnomAD compares: African/African-American, 0.63%; 1 homozygote.

Submission:

CeGaT Center for Human Genetics Tuebingen
Classification: Likely benign. Last evaluated: 2023-07-01. Review status: criteria provided, single submitter. Criteria: CeGaT Center For Human Genetics Tuebingen Variant Classification Criteria Version 2. Collection method: clinical testing. Allele origin: germline. Affected: yes. Observed: 1 variant allele.
Comment: BCR: BP4, BP7, BS2